The following is an entry in ClinVar:

ClinVar aggregate classification (germline): Pathogenic (1 of 4 stars; one submission).

Conditions:
Tuberous sclerosis 2 (TSC2). Identifiers: Orphanet 805, MedGen C1860707, MONDO:0013199, OMIM 613254.

Submission:

Labcorp Genetics (formerly Invitae), Labcorp
Classification: Pathogenic for Tuberous sclerosis 2. Last evaluated: 2022-10-28. Review status: criteria provided, single submitter. Criteria: Invitae Variant Classification Sherloc (09022015). Collection method: clinical testing. Allele origin: germline.
Comment: For these reasons, this variant has been classified as Pathogenic. This variant is not present in population databases (gnomAD no frequency). This sequence change affects a donor splice site in intron 38 of the TSC2 gene. It is expected to disrupt RNA splicing. Variants that disrupt the donor or acceptor splice site typically lead to a loss of protein function (PMID: 16199547), and loss-of-function variants in TSC2 are known to be pathogenic (PMID: 10205261, 17304050). Disruption of this splice site has been observed in individuals with autosomal dominant tuberous sclerosis complex (TSC) (PMID: 10533066, 20633017). ClinVar contains an entry for this variant (Variation ID: 1480119). Algorithms developed to predict the effect of sequence changes on RNA splicing suggest that this variant may disrupt the consensus splice site.

Literature cited by the submitters: PubMed 16199547; PubMed 10205261; PubMed 17304050; PubMed 10533066; PubMed 20633017.

NM_000548.5(TSC2):c.4989+2T>A

Gene: TSC2 (TSC complex subunit 2; plus strand). Cytogenetic location: 16p13.3.
Variant type: single nucleotide variant.
Coding change: c.4989+2T>A on transcript NM_000548.5 (MANE Select); the canonical splice donor site of the intron after coding-DNA position 4989, T replaced by A.
Molecular consequence: splice donor variant.
Genome position (GRCh38, 1-based): chr16:2,086,873, T>A. VCF-style: chr16-2086873-T-A. GRCh37 (hg19) VCF-style: chr16-2136874-T-A.
Other names: c.3447+2T>A (NM_001406693.1, NM_001406692.1, NM_001406694.1); c.4881+2T>A (NM_001406667.1); c.4878+2T>A (NM_001406668.1); c.4389+2T>A (NM_001406680.1); c.4320+2T>A (NM_001406683.1, NM_001406682.1); c.4188+2T>A (NM_001406687.1, NM_001406688.1); c.3576+2T>A (NM_001406689.1); c.3516+2T>A (NM_001406690.1); and 26 more.
Identifiers: ClinVar variation 1480119 (VCV001480119.8), dbSNP rs2090871271, ClinGen allele CA394309263.